The following is an entry in ClinVar:

NM_001365088.1(SLC12A6):c.2299G>C (p.Glu767Gln)

Gene: SLC12A6 (solute carrier family 12 member 6; minus strand). Cytogenetic location: 15q14.
Variant type: single nucleotide variant.
Coding change: c.2299G>C on transcript NM_001365088.1 (MANE Select); coding-DNA position 2299, G replaced by C.
Protein change: p.Glu767Gln; replaces glutamic acid 767 with glutamine.
Molecular consequence: missense variant.
Genome position (GRCh38, 1-based): chr15:34,240,798, C>G on the plus strand (G>C on the coding strand, the complement: SLC12A6 is on the minus strand). VCF-style: chr15-34240798-C-G. GRCh37 (hg19) VCF-style: chr15-34532999-C-G.
Other names: c.2122G>C, p.Glu708Gln (NM_001042494.2, NM_001042495.2); c.2272G>C, p.Glu758Gln (NM_001042496.2); c.2254G>C, p.Glu752Gln (NM_001042497.2); c.2146G>C, p.Glu716Gln (NM_005135.2); c.2299G>C, p.Glu767Gln (NM_133647.2); short protein forms E758Q, E708Q, E767Q, E716Q, E752Q.
Identifiers: ClinVar variation 2009048 (VCV002009048.4), dbSNP rs758117257, ClinGen allele CA391619838.

ClinVar aggregate classification (germline): Uncertain significance (1 of 4 stars; one submission).

Submission:

Labcorp Genetics (formerly Invitae), Labcorp
Classification: Uncertain significance. Last evaluated: 2022-06-22. Review status: criteria provided, single submitter. Criteria: Invitae Variant Classification Sherloc (09022015). Collection method: clinical testing. Allele origin: germline.
Comment: In summary, the available evidence is currently insufficient to determine the role of this variant in disease. Therefore, it has been classified as a Variant of Uncertain Significance. Algorithms developed to predict the effect of sequence changes on RNA splicing suggest that this variant may disrupt the consensus splice site. Advanced modeling of protein sequence and biophysical properties (such as structural, functional, and spatial information, amino acid conservation, physicochemical variation, residue mobility, and thermodynamic stability) performed at Invitae indicates that this missense variant is not expected to disrupt SLC12A6 protein function. This variant has not been reported in the literature in individuals affected with SLC12A6-related conditions. This variant is not present in population databases (gnomAD no frequency). This sequence change replaces glutamic acid, which is acidic and polar, with glutamine, which is neutral and polar, at codon 767 of the SLC12A6 protein (p.Glu767Gln).